The following is an entry in ClinVar:

ClinVar aggregate classification (germline): Uncertain significance (1 of 4 stars; one submission).

Submission:

Ambry Genetics
Classification: Uncertain significance. Last evaluated: 2025-12-21. Review status: criteria provided, single submitter. Criteria: Ambry Variant Classification Scheme 2023. Collection method: clinical testing. Allele origin: germline.
Comment: The p.K42Q variant (also known as c.124A>C), located in coding exon 1 of the GEN1 gene, results from an A to C substitution at nucleotide position 124. The lysine at codon 42 is replaced by glutamine, an amino acid with similar properties. This amino acid position is conserved. In addition, this alteration is predicted to be tolerated by in silico analysis. Based on the available evidence, the clinical significance of this variant remains unclear.

NM_001130009.3(GEN1):c.124A>C (p.Lys42Gln)

Gene: GEN1 (GEN1 structure-specific endonuclease; plus strand). Cytogenetic location: 2p24.2.
Variant type: single nucleotide variant.
Coding change: c.124A>C on transcript NM_001130009.3 (MANE Select); coding-DNA position 124, A replaced by C.
Protein change: p.Lys42Gln; replaces lysine 42 with glutamine.
Molecular consequence: missense variant.
Genome position (GRCh38, 1-based): chr2:17,760,067, A>C. VCF-style: chr2-17760067-A-C. GRCh37 (hg19) VCF-style: chr2-17941334-A-C.
Other names: c.124A>C, p.Lys42Gln (NM_182625.5); short protein forms K42Q.
Identifiers: ClinVar variation 4842194 (VCV004842194.1).